The following is an entry in ClinVar:

NM_007294.4(BRCA1):c.2363T>A (p.Val788Asp)

Gene: BRCA1 (BRCA1 DNA repair associated; minus strand). Cytogenetic location: 17q21.31.
Variant type: single nucleotide variant.
Coding change: c.2363T>A on transcript NM_007294.4 (MANE Select); coding-DNA position 2363, T replaced by A.
Protein change: p.Val788Asp; replaces valine 788 with aspartic acid.
Molecular consequence: missense variant. On other transcripts: intron variant (137).
Genome position (GRCh38, 1-based): chr17:43,093,168, A>T on the plus strand (T>A on the coding strand, the complement: BRCA1 is on the minus strand). VCF-style: chr17-43093168-A-T. GRCh37 (hg19) VCF-style: chr17-41245185-A-T.
Other names: c.2099T>A, p.Val700Asp (NM_001407926.1, NM_001407927.1, NM_001407928.1 and 9 more transcripts); c.668-2136T>A (NM_001408431.1, NM_001408424.1, NM_001408421.1); c.784+1576T>A (NM_001408407.1, NM_001408402.1, NM_001408473.1 and 13 more transcripts); c.2096T>A, p.Val699Asp (NM_001407930.1, NM_001407931.1, NM_001407932.1 and 2 more transcripts); c.664+1576T>A (NM_001408443.1, NM_001408439.1, NM_001408425.1 and 12 more transcripts); c.671-2136T>A (NM_001408419.1, NM_001408418.1, NM_001408422.1 and 2 more transcripts); c.787+1576T>A (NM_001408403.1, NM_001407983.1, NM_001407975.1 and 17 more transcripts); c.2240T>A, p.Val747Asp (NM_001407937.1, NM_001407938.1, NM_001407939.1 and 19 more transcripts); and 41 more; short protein forms V788D, V741D, V660D, V717D, V747D, V787D, V620D, V661D.
Identifiers: ClinVar variation 945383 (VCV000945383.13), dbSNP rs2053773275, ClinGen allele CA10597283.

ClinVar aggregate classification (germline): Conflicting classifications of pathogenicity. Review status: criteria provided, conflicting classifications (1 of 4 stars). 2 submissions from 2 submitters: Uncertain significance (1); Likely benign (1). Last evaluated 2023-03-23.

Conditions:
Hereditary cancer-predisposing syndrome. Also called: Neoplastic Syndromes, Hereditary; Hereditary Cancer Syndrome; Tumor predisposition; Hereditary neoplastic syndrome. Identifiers: Orphanet 140162, MedGen C0027672, MeSH D009386, MONDO:0015356.
Hereditary breast ovarian cancer syndrome. Also called: Hereditary breast and ovarian cancer syndrome (HBOC); Hereditary breast and ovarian cancer; Breast and ovarian cancer; BRCA1- and BRCA2-Associated Hereditary Breast and Ovarian Cancer; Hereditary breast and ovarian cancer syndrome; Hereditary breast and/or ovarian cancer syndrome. Identifiers: Orphanet 145, MedGen C0677776, MeSH D061325, MONDO:0003582. Disease mechanism: loss of function.

Submissions (2):

University of Washington Department of Laboratory Medicine, University of Washington
Classification: Likely benign for Hereditary cancer-predisposing syndrome. Last evaluated: 2023-03-23. Review status: criteria provided, single submitter. Criteria: Dines et al. (Genet Med. 2020). Collection method: curation. Allele origin: germline.
Comment: Missense variant in a coldspot region where missense variants are very unlikely to be pathogenic (PMID:31911673).

BRCA1 coldspot (exon 11 using historical exon numbering). Reclassification based on statistical prior probability

Labcorp Genetics (formerly Invitae), Labcorp
Classification: Uncertain significance for Hereditary breast ovarian cancer syndrome. Last evaluated: 2019-04-10. Review status: criteria provided, single submitter. Criteria: Invitae Variant Classification Sherloc (09022015). Collection method: clinical testing. Allele origin: germline.
Comment: In summary, the available evidence is currently insufficient to determine the role of this variant in disease. Therefore, it has been classified as a Variant of Uncertain Significance. Algorithms developed to predict the effect of missense changes on protein structure and function output the following: SIFT: "Deleterious"; PolyPhen-2: "Benign"; Align-GVGD: "Class C0". The aspartic acid amino acid residue is found in multiple mammalian species, suggesting that this missense change does not adversely affect protein function. These predictions have not been confirmed by published functional studies and their clinical significance is uncertain. This variant has not been reported in the literature in individuals with BRCA1-related conditions. This variant is not present in population databases (ExAC no frequency). This sequence change replaces valine with aspartic acid at codon 788 of the BRCA1 protein (p.Val788Asp). The valine residue is weakly conserved and there is a large physicochemical difference between valine and aspartic acid.